The following is an entry in ClinVar:

ClinVar aggregate classification (germline): Uncertain significance (1 of 4 stars; one submission).

gnomAD v4.1: 3 of 1,547,824 alleles (0.00019%); highest among the groups gnomAD compares: Non-Finnish European, 0.00026%; no homozygotes.

Submission:

GeneDx
Classification: Uncertain significance. Last evaluated: 2019-09-25. Review status: criteria provided, single submitter. Criteria: GeneDx Variant Classification Process June 2021. Collection method: clinical testing. Allele origin: germline. Affected: yes.
Comment: Not observed at a significant frequency in large population cohorts (Lek et al., 2016); In silico analysis, which includes protein predictors and evolutionary conservation, supports a deleterious effect; Has not been previously published as pathogenic or benign to our knowledge

NM_014855.3(AP5Z1):c.616C>G (p.Arg206Gly)

Gene: AP5Z1 (adaptor related protein complex 5 subunit zeta 1; plus strand). Cytogenetic location: 7p22.1.
Variant type: single nucleotide variant.
Coding change: c.616C>G on transcript NM_014855.3 (MANE Select); coding-DNA position 616, C replaced by G.
Protein change: p.Arg206Gly; replaces arginine 206 with glycine.
Molecular consequence: missense variant. On other transcripts: non-coding transcript variant (1).
Genome position (GRCh38, 1-based): chr7:4,783,793, C>G. VCF-style: chr7-4783793-C-G. GRCh37 (hg19) VCF-style: chr7-4823424-C-G.
Other names: c.148C>G, p.Arg50Gly (NM_001364858.1); short protein forms R206G, R50G.
Identifiers: ClinVar variation 1312283 (VCV001312283.2), dbSNP rs761451474, ClinGen allele CA366659535.